The following is an entry in ClinVar:

ClinVar aggregate classification (germline): Conflicting classifications of pathogenicity. Review status: criteria provided, conflicting classifications (1 of 4 stars). 2 submissions from 2 submitters: Likely pathogenic (1); Uncertain significance (1). Last evaluated 2025-10-16.

Conditions:
Familial thoracic aortic aneurysm and aortic dissection (TAAD). Also called: Thoracic aortic aneurysms and dissections. Identifiers: Orphanet 91387, MedGen C4707243, MONDO:0019625.
Marfan syndrome (MFS). Also called: FBN1-Related Marfan Syndrome; Marfan syndrome type 1; Marfan's syndrome; Marfan syndrome, classic; MARFAN SYNDROME, TYPE I. Identifiers: Orphanet 284963, Orphanet 558, MedGen C0024796, MONDO:0007947, OMIM 154700.

Submissions (2):

Ambry Genetics
Classification: Likely pathogenic for Familial thoracic aortic aneurysm and aortic dissection. Last evaluated: 2025-10-16. Review status: criteria provided, single submitter. Criteria: Ambry Variant Classification Scheme 2023. Collection method: clinical testing. Allele origin: germline.
Comment: The p.D572G variant (also known as c.1715A>G) is located in coding exon 14 of the FBN1 gene. The aspartic acid at codon 572 is replaced by glycine, an amino acid with similar properties. This change occurs in the first base pair of coding exon 14. This variant was reported in individual(s) with features consistent with Marfan syndrome; in at least one individual, it was determined to be de novo (Baudhuin LM et al. J Hum Genet, 2015 May;60:241-52; Guo D et al. Invest Ophthalmol Vis Sci, 2024 Jan;65:20; external communication). This variant alters a conserved residue in the calcium-binding consensus sequence of a cbEGF domain and is expected to disrupt FBN1 function (Handford PA et al. Nature. 1991; 351(6322):164-7). This variant is considered to be rare based on population cohorts in the Genome Aggregation Database (gnomAD). This amino acid position is highly conserved in available vertebrate species. In addition, this alteration is predicted to be deleterious by in silico analysis. Based on the majority of available evidence to date, this variant is likely to be pathogenic.

Labcorp Genetics (formerly Invitae), Labcorp
Classification: Uncertain significance for Marfan syndrome; Familial thoracic aortic aneurysm and aortic dissection. Last evaluated: 2018-12-28. Review status: criteria provided, single submitter. Criteria: Invitae Variant Classification Sherloc (09022015). Collection method: clinical testing. Allele origin: germline.
Comment: This variant is not present in population databases (ExAC no frequency). This sequence change replaces aspartic acid with glycine at codon 572 of the FBN1 protein (p.Asp572Gly). The aspartic acid residue is highly conserved and there is a moderate physicochemical difference between aspartic acid and glycine. This variant has been observed in individuals affected with FBN1-related disease (PMID: 25652356, Invitae). Algorithms developed to predict the effect of missense changes on protein structure and function (SIFT, PolyPhen-2, Align-GVGD) all suggest that this variant is likely to be disruptive, but these predictions have not been confirmed by published functional studies and their clinical significance is uncertain. Algorithms developed to predict the effect of sequence changes on RNA splicing suggest that this variant may create or strengthen a splice site, but this prediction has not been confirmed by published transcriptional studies. In summary, the available evidence is currently insufficient to determine the role of this variant in disease. Therefore, it has been classified as a Variant of Uncertain Significance.

Literature cited by the submitters: PubMed 25652356 (cited by Ambry Genetics and Labcorp Genetics (formerly Invitae), Labcorp); PubMed 38190127 (cited by Ambry Genetics).

NM_000138.5(FBN1):c.1715A>G (p.Asp572Gly)

Gene: FBN1 (fibrillin 1; minus strand). Cytogenetic location: 15q21.1.
Variant type: single nucleotide variant.
Coding change: c.1715A>G on transcript NM_000138.5 (MANE Select); coding-DNA position 1715, A replaced by G.
Protein change: p.Asp572Gly; replaces aspartic acid 572 with glycine.
Molecular consequence: missense variant.
Genome position (GRCh38, 1-based): chr15:48,508,704, T>C on the plus strand (A>G on the coding strand, the complement: FBN1 is on the minus strand). VCF-style: chr15-48508704-T-C. GRCh37 (hg19) VCF-style: chr15-48800901-T-C.
Other names: short protein forms D572G.
Identifiers: ClinVar variation 660849 (VCV000660849.9), dbSNP rs1555399976, ClinGen allele CA392340719.